The following is an entry in ClinVar:

ClinVar aggregate classification (germline): Uncertain significance. Review status: criteria provided, multiple submitters, no conflicts (2 of 4 stars). 2 submissions from 2 submitters: Uncertain significance (2). Last evaluated 2025-08-31.

Conditions:
Cardiovascular phenotype. Identifiers: MedGen CN230736.
RASopathy. Also called: rasopathies; Noonan spectrum disorder. Identifiers: Orphanet 536391, MedGen C5555857, MONDO:0021060.

Allele frequency attached by ClinVar (database versions not stated): gnomAD exomes below 0.00001.
gnomAD v4.1: 2 of 1,612,448 alleles (0.00012%); highest among the groups gnomAD compares: Non-Finnish European, 0.00017%; no homozygotes.

Submissions (2):

Labcorp Genetics (formerly Invitae), Labcorp
Classification: Uncertain significance for RASopathy. Last evaluated: 2025-08-31. Review status: criteria provided, single submitter. Criteria: Invitae Variant Classification Sherloc (09022015). Collection method: clinical testing. Allele origin: germline.
Comment: This sequence change replaces alanine, which is neutral and non-polar, with threonine, which is neutral and polar, at codon 298 of the SHOC2 protein (p.Ala298Thr). This variant is present in population databases (no rsID available, gnomAD 0.0009%). This variant has not been reported in the literature in individuals affected with SHOC2-related conditions. ClinVar contains an entry for this variant (Variation ID: 1765151). Invitae Evidence Modeling of protein sequence and biophysical properties (such as structural, functional, and spatial information, amino acid conservation, physicochemical variation, residue mobility, and thermodynamic stability) indicates that this missense variant is not expected to disrupt SHOC2 protein function with a negative predictive value of 80%. In summary, the available evidence is currently insufficient to determine the role of this variant in disease. Therefore, it has been classified as a Variant of Uncertain Significance.

Ambry Genetics
Classification: Uncertain significance for Cardiovascular phenotype. Last evaluated: 2025-05-14. Review status: criteria provided, single submitter. Criteria: Ambry Variant Classification Scheme 2023. Collection method: clinical testing. Allele origin: germline.

NM_007373.4(SHOC2):c.892G>A (p.Ala298Thr)

Gene: SHOC2 (SHOC2 leucine rich repeat scaffold protein; plus strand). Cytogenetic location: 10q25.2.
Variant type: single nucleotide variant.
Coding change: c.892G>A on transcript NM_007373.4 (MANE Select); coding-DNA position 892, G replaced by A.
Protein change: p.Ala298Thr; replaces alanine 298 with threonine.
Molecular consequence: missense variant. On other transcripts: non-coding transcript variant (1).
Genome position (GRCh38, 1-based): chr10:111,000,465, G>A. VCF-style: chr10-111000465-G-A. GRCh37 (hg19) VCF-style: chr10-112760223-G-A.
Other names: c.754G>A, p.Ala252Thr (NM_001269039.3); c.892G>A, p.Ala298Thr (NM_001324336.2, NM_001324337.2); short protein forms A252T, A298T.
Identifiers: ClinVar variation 1765151 (VCV001765151.6), dbSNP rs1296115550, ClinGen allele CA378522649.
Genomic context (GRCh38, chr10:111,000,465, plus strand): 5'-GTGTTTACAGGAAACCTGTCCAGTTTAAGTCGTCTTGGTCTGAGATATAACAGACTGTCA[G>A]CAATACCCAGATCATTAGCAAAATGCAGTGCACTTGAAGAATTAAATTTAGAGAACAATA-3'
Protein context (NP_031399.2, residues 288-308): RLGLRYNRLS[Ala298Thr]IPRSLAKCSA